The following is an entry in ClinVar:

NM_001371727.1(GABRB2):c.422G>A (p.Arg141His)

Gene: GABRB2 (gamma-aminobutyric acid type A receptor subunit beta2; minus strand). Cytogenetic location: 5q34.
Variant type: single nucleotide variant.
Coding change: c.422G>A on transcript NM_001371727.1 (MANE Select); coding-DNA position 422, G replaced by A.
Protein change: p.Arg141His; replaces arginine 141 with histidine.
Molecular consequence: missense variant.
Genome position (GRCh38, 1-based): chr5:161,459,660, C>T on the plus strand (G>A on the coding strand, the complement: GABRB2 is on the minus strand). VCF-style: chr5-161459660-C-T. GRCh37 (hg19) VCF-style: chr5-160886666-C-T.
Other names: c.422G>A, p.Arg141His (NM_000813.3, NM_021911.3); short protein forms R141H.
Identifiers: ClinVar variation 451517 (VCV000451517.14), dbSNP rs1554102156, ClinGen allele CA362173767.
Genomic context (GRCh38, chr5:161,459,660, plus strand): 5'-TATTTTGAATTGGGGACAACAGACCTGAGTCCATAAAGGACGGTGCCATCAGGATGCAGG[C>T]GAATCATGCGGTTCTTAACAGTCACTCCGTGCACAAATGACTTCTTATCGTTCAGGAAAT-3'
Protein context (NP_001358656.1, residues 131-151): HGVTVKNRMI[Arg141His]LHPDGTVLYG

ClinVar aggregate classification (germline): Uncertain significance. Review status: criteria provided, multiple submitters, no conflicts (2 of 4 stars). 3 submissions from 3 submitters: Uncertain significance (3). Last evaluated 2023-07-07.

Conditions:
Inborn genetic diseases. Identifiers: MedGen C0950123, MeSH D030342.
Intellectual disability. Also called: Intellectual developmental disorder; Intellectual functioning disability; intellectual disabilities. Identifiers: MedGen C3714756, MeSH D008607, MONDO:0001071, HP:0001249.

Allele frequency attached by ClinVar (database versions not stated): gnomAD exomes below 0.00001.

Submissions (3):

Labcorp Genetics (formerly Invitae), Labcorp
Classification: Uncertain significance for Intellectual disability. Last evaluated: 2023-07-07. Review status: criteria provided, single submitter. Criteria: Invitae Variant Classification Sherloc (09022015). Collection method: clinical testing. Allele origin: germline.
Comment: This sequence change replaces arginine, which is basic and polar, with histidine, which is basic and polar, at codon 141 of the GABRB2 protein (p.Arg141His). This variant is not present in population databases (gnomAD no frequency). This variant has not been reported in the literature in individuals affected with GABRB2-related conditions. ClinVar contains an entry for this variant (Variation ID: 451517). Advanced modeling of protein sequence and biophysical properties (such as structural, functional, and spatial information, amino acid conservation, physicochemical variation, residue mobility, and thermodynamic stability) has been performed at Invitae for this missense variant, however the output from this modeling did not meet the statistical confidence thresholds required to predict the impact of this variant on GABRB2 protein function. In summary, the available evidence is currently insufficient to determine the role of this variant in disease. Therefore, it has been classified as a Variant of Uncertain Significance.

Ambry Genetics
Classification: Uncertain significance for Inborn genetic diseases. Last evaluated: 2017-11-02. Review status: criteria provided, single submitter. Criteria: Ambry exome assertion method (8-5-2015). Collection method: clinical testing. Allele origin: germline. Affected: yes. Observed: 1 variant allele.

GeneDx
Classification: Uncertain significance. Last evaluated: 2017-08-18. Review status: criteria provided, single submitter. Criteria: GeneDx Variant Classification (06012015). Collection method: clinical testing. Allele origin: germline. Affected: yes.
Comment: A variant of uncertain significance has been identified in the GABRB2 gene. The R141H variant has not been published as a pathogenic variant, nor has it been reported as a benign variant to our knowledge. The R141H variant is not observed in large population cohorts (Lek et al., 2016; 1000 Genomes Consortium et al., 2015; Exome Variant Server). This substitution occurs at a position that is conserved across species. In silico analysis predicts this variant is probably damaging to the protein structure/function. However, the R141H variant is a conservative amino acid substitution, which is not likely to impact secondary protein structure as these residues share similar properties. Therefore, based on the currently available information, it is unclear whether this variant is a pathogenic variant or a rare benign variant.